The following is an entry in ClinVar:

NM_001164508.2(NEB):c.23763G>C (p.Leu7921Phe)

Genes: NEB (nebulin; minus strand), RIF1 (replication timing regulatory factor 1; plus strand). Cytogenetic location: 2q23.3.
Variant type: single nucleotide variant.
Coding change: c.23763G>C on transcript NM_001164508.2 (MANE Select); coding-DNA position 23763, G replaced by C.
Protein change: p.Leu7921Phe; replaces leucine 7921 with phenylalanine.
Molecular consequence: missense variant.
Genome position (GRCh38, 1-based): chr2:151,503,421, C>G on the plus strand (G>C on the coding strand, the complement: NEB is on the minus strand). VCF-style: chr2-151503421-C-G. GRCh37 (hg19) VCF-style: chr2-152359935-C-G.
Other names: c.23763G>C, p.Leu7921Phe (NM_001164507.2); c.23868G>C, p.Leu7956Phe (NM_001271208.2); c.18660G>C, p.Leu6220Phe (NM_004543.5); short protein forms L6220F, L7956F, L7921F.
Identifiers: ClinVar variation 167327 (VCV000167327.25), dbSNP rs201028196, ClinGen allele CA234314.
Genomic context (GRCh38, chr2:151,503,421, plus strand): 5'-CTCTTGATTGCGTTTGACTCTCTCAATCTCTGGAGTCACAGTGGTTGGAATGCCTGTTCC[C>G]AAGTTTTCTTTGTACATAACCTGTAGAAAATAATTAGAATACCCAGAAAGGTAAAATGAC-3'
Protein context (NP_001157980.2, residues 7911-7931): HISSVMYKEN[Leu7921Phe]GTGIPTTVTP

ClinVar aggregate classification (germline): Conflicting classifications of pathogenicity. Review status: criteria provided, conflicting classifications (1 of 4 stars). 6 submissions from 6 submitters: Uncertain significance (2); Likely benign (2). 2 of the submissions do not count toward it. Last evaluated 2026-02-04.

Conditions:
NEB-related disorder. Also called: NEB-related condition; NEB-Related Disorders.
Nemaline myopathy 2 (NEM2). Also called: Nemaline myopathy 2, autosomal recessive. Identifiers: MedGen C1850569, MONDO:0009725, OMIM 256030.

Allele frequency attached by ClinVar (database versions not stated): gnomAD 0.00007 and 0.00009; gnomAD exomes 0.00007 and 0.00032; 1000 Genomes Project 0.00020; ExAC 0.00020; 1000 Genomes Project 30x 0.00031; TOPMed 0.00032.
gnomAD v4.1: 110 of 1,611,280 alleles (0.0068%); highest among the groups gnomAD compares: Admixed American, 0.17%; no homozygotes.

Submissions (6):

Labcorp Genetics (formerly Invitae), Labcorp
Classification: Likely benign for Nemaline myopathy 2. Last evaluated: 2026-02-04. Review status: criteria provided, single submitter. Criteria: Invitae Variant Classification Sherloc (09022015). Collection method: clinical testing. Allele origin: germline.

GeneDx
Classification: Likely benign. Last evaluated: 2021-04-29. Review status: criteria provided, single submitter. Criteria: GeneDx Variant Classification Process June 2021. Collection method: clinical testing. Allele origin: germline. Affected: yes.

Baylor Genetics
Classification: Uncertain significance for Nemaline myopathy 2. Last evaluated: 2018-03-25. Review status: criteria provided, single submitter. Criteria: ACMG Guidelines, 2015. Collection method: clinical testing. Allele origin: unknown. Affected: yes.
Comment: This variant was determined to be of uncertain significance according to ACMG Guidelines, 2015 [PMID:25741868].

Eurofins Ntd Llc (ga)
Classification: Uncertain significance. Last evaluated: 2015-08-27. Review status: criteria provided, single submitter. Criteria: EGL Classification Definitions 2015. Collection method: clinical testing. Allele origin: germline. Observed: 2 variant alleles, 2 heterozygotes.

PreventionGenetics, part of Exact Sciences
Classification: Likely benign for NEB-related condition. Last evaluated: 2022-03-31. Review status: no assertion criteria provided. Collection method: clinical testing. Allele origin: germline. Not counted in ClinVar's aggregate classification.
Comment: This variant is classified as likely benign based on ACMG/AMP sequence variant interpretation guidelines (Richards et al. 2015 PMID: 25741868, with internal and published modifications).

Natera, Inc.
Classification: Uncertain significance for Nemaline myopathy type 2. Last evaluated: 2019-12-24. Review status: no assertion criteria provided. Collection method: clinical testing. Allele origin: germline. Not counted in ClinVar's aggregate classification.